The following is an entry in ClinVar:

NM_004438.5(EPHA4):c.1220C>T (p.Thr407Ile)

Gene: EPHA4 (EPH receptor A4; minus strand). Cytogenetic location: 2q36.1.
Variant type: single nucleotide variant.
Coding change: c.1220C>T on transcript NM_004438.5 (MANE Select); coding-DNA position 1220, C replaced by T.
Protein change: p.Thr407Ile; replaces threonine 407 with isoleucine.
Molecular consequence: missense variant.
Genome position (GRCh38, 1-based): chr2:221,482,450, G>A on the plus strand (C>T on the coding strand, the complement: EPHA4 is on the minus strand). VCF-style: chr2-221482450-G-A. GRCh37 (hg19) VCF-style: chr2-222347170-G-A.
Other names: c.1220C>T, p.Thr407Ile (NM_001304536.2, NM_001363748.2); c.1067C>T, p.Thr356Ile (NM_001304537.2); short protein forms T407I, T356I.
Identifiers: ClinVar variation 1461219 (VCV001461219.8), dbSNP rs2106141337, ClinGen allele CA350408214.
Genomic context (GRCh38, chr2:221,482,450, plus strand): 5'-TCTGGGTTAGGGTTATATTTGGACACTCCATTCACAGCCCAGATTTCAAAGGTGTAATTG[G>A]TATGAGCTAGGAGGTCAGTGATGGAGACTTTGGTGGTCTTCAAGCCATTCTGCTGTGGGG-3'
Protein context (NP_004429.1, residues 397-417): KVSITDLLAH[Thr407Ile]NYTFEIWAVN

ClinVar aggregate classification (germline): Uncertain significance (1 of 4 stars; one submission).

gnomAD v4.1: 1 of 1,614,068 alleles (0.000062%); highest among the groups gnomAD compares: Non-Finnish European, 0.000085%; no homozygotes.

Submission:

Labcorp Genetics (formerly Invitae), Labcorp
Classification: Uncertain significance. Last evaluated: 2025-07-14. Review status: criteria provided, single submitter. Criteria: Invitae Variant Classification Sherloc (09022015). Collection method: clinical testing. Allele origin: germline.
Comment: This sequence change replaces threonine, which is neutral and polar, with isoleucine, which is neutral and non-polar, at codon 407 of the EPHA4 protein (p.Thr407Ile). This variant is not present in population databases (gnomAD no frequency). This variant has not been reported in the literature in individuals affected with EPHA4-related conditions. ClinVar contains an entry for this variant (Variation ID: 1461219). Invitae Evidence Modeling of protein sequence and biophysical properties (such as structural, functional, and spatial information, amino acid conservation, physicochemical variation, residue mobility, and thermodynamic stability) indicates that this missense variant is not expected to disrupt EPHA4 protein function with a negative predictive value of 80%. In summary, the available evidence is currently insufficient to determine the role of this variant in disease. Therefore, it has been classified as a Variant of Uncertain Significance.